The following is an entry in ClinVar:

ClinVar aggregate classification (germline): Pathogenic (1 of 4 stars; one submission).

Conditions:
Developmental and epileptic encephalopathy 94 (DEE94). Also called: Epileptic encephalopathy, childhood-onset; CHD2-Related Neurodevelopmental Disorders. Identifiers: Orphanet 1942, Orphanet 2382, MedGen C3809278, MONDO:0014150, OMIM 615369.

Submission:

Labcorp Genetics (formerly Invitae), Labcorp
Classification: Pathogenic for Developmental and epileptic encephalopathy 94. Last evaluated: 2020-02-27. Review status: criteria provided, single submitter. Criteria: Invitae Variant Classification Sherloc (09022015). Collection method: clinical testing. Allele origin: germline.
Comment: This variant has been observed in individuals with autism spectrum disorder (PMID: 25418537, 25363768). For these reasons, this variant has been classified as Pathogenic. Loss-of-function variants in CHD2 are known to be pathogenic (PMID: 23708187, 24207121). This variant is not present in population databases (ExAC no frequency). This sequence change creates a premature translational stop signal (p.Gly1651Trpfs*16) in the CHD2 gene. It is expected to result in an absent or disrupted protein product.

Literature cited by the submitters: PubMed 25418537; PubMed 25363768; PubMed 23708187; PubMed 24207121.

NM_001271.4(CHD2):c.4949dup (p.Gly1651fs)

Gene: CHD2 (chromodomain helicase DNA binding protein 2; plus strand). Cytogenetic location: 15q26.1.
Variant type: Duplication.
Coding change: c.4949dup on transcript NM_001271.4 (MANE Select); coding-DNA position 4949, one base duplicated (G; older notation c.4949dupG).
Protein change: p.Gly1651fs; shifts the reading frame from glycine 1651.
Molecular consequence: frameshift variant.
Genome position (GRCh38, 1-based): chr15:93,020,054, G duplicated; the last of 2 consecutive G bases (chr15:93,020,053-93,020,054); duplicating either gives the same sequence. VCF-style (leftmost placement, unchanged base first): chr15-93020052-T-TG. GRCh37 (hg19) VCF-style: chr15-93563282-T-TG.
Other names: short protein forms G1651fs.
Identifiers: ClinVar variation 1076495 (VCV001076495.9), dbSNP rs2054514265, ClinGen allele CA658795021.
Genomic context (GRCh38, chr15:93,020,052, plus strand): 5'-CATTCTTTCTTTTCCTGCAGATCGAGGAGACTGGCAGAGGGAAAGAAAGTTCAACTATGG[T>TG]GGTGGCAACAACAATCCACCATGGGGAAGCGACAGGCACCATCAGTATGAGCAGCACTGG-3'